The following is an entry in ClinVar:

NM_001369.3(DNAH5):c.3595A>C (p.Thr1199Pro)

Genes: DNAH5 (dynein axonemal heavy chain 5; minus strand), DNAH5-AS1 (DNAH5 antisense RNA 1; plus strand). Cytogenetic location: 5p15.2.
Variant type: single nucleotide variant.
Coding change: c.3595A>C on transcript NM_001369.3 (MANE Select); coding-DNA position 3595, A replaced by C.
Protein change: p.Thr1199Pro; replaces threonine 1199 with proline.
Molecular consequence: missense variant.
Genome position (GRCh38, 1-based): chr5:13,871,567, T>G on the plus strand (A>C on the coding strand, the complement: DNAH5 is on the minus strand). VCF-style: chr5-13871567-T-G. GRCh37 (hg19) VCF-style: chr5-13871676-T-G.
Other names: short protein forms T1199P.
Identifiers: ClinVar variation 1000719 (VCV001000719.9), dbSNP rs1770106766, ClinGen allele CA359232592.
Genomic context (GRCh38, chr5:13,871,567, plus strand): 5'-AAGAGGCAGAACAATAATGGCTAATTTATATAACTATATGAAAGAAAATGAACCAACCTG[T>G]GTACAGAGCAATGGAACCCACACAGACATATTCAGGCTCAGCATTAATTTCCTGCTCTAG-3'
Protein context (NP_001360.1, residues 1189-1209): YVCVGSIALY[Thr1199Pro]ADLKFALTAE

ClinVar aggregate classification (germline): Uncertain significance (1 of 4 stars; one submission).

Conditions:
Primary ciliary dyskinesia. Also called: Ciliary dyskinesia. Identifiers: Orphanet 244, MedGen C0008780, MONDO:0016575, HP:0012265.

Submission:

Labcorp Genetics (formerly Invitae), Labcorp
Classification: Uncertain significance for Primary ciliary dyskinesia. Last evaluated: 2024-07-25. Review status: criteria provided, single submitter. Criteria: Invitae Variant Classification Sherloc (09022015). Collection method: clinical testing. Allele origin: germline.
Comment: This sequence change replaces threonine, which is neutral and polar, with proline, which is neutral and non-polar, at codon 1199 of the DNAH5 protein (p.Thr1199Pro). This variant is not present in population databases (gnomAD no frequency). This variant has not been reported in the literature in individuals affected with DNAH5-related conditions. ClinVar contains an entry for this variant (Variation ID: 1000719). Advanced modeling of protein sequence and biophysical properties (such as structural, functional, and spatial information, amino acid conservation, physicochemical variation, residue mobility, and thermodynamic stability) performed at Invitae indicates that this missense variant is not expected to disrupt DNAH5 protein function with a negative predictive value of 95%. In summary, the available evidence is currently insufficient to determine the role of this variant in disease. Therefore, it has been classified as a Variant of Uncertain Significance.